The following is an entry in ClinVar:

ClinVar aggregate classification (germline): not provided (0 of 4 stars; one submission).

Allele frequency attached by ClinVar (database versions not stated): gnomAD exomes below 0.00001; gnomAD 0.00002 and 0.00003; TOPMed 0.00003.
gnomAD v4.1: 8 of 1,614,048 alleles (0.0005%); highest among the groups gnomAD compares: African/African-American, 0.0053%; no homozygotes.

Submission:

Human Evolutionary Genetics, Institut Pasteur
No classification provided. Review status: no classification provided. Collection method: not provided. Allele origin: germline.
ClinVar note: Converted during submission from untested to not provided.

NM_001384950.1(NLRC5):c.5474G>A (p.Ser1825Asn)

Gene: NLRC5 (NLR family CARD domain containing 5; plus strand). Cytogenetic location: 16q13.
Variant type: single nucleotide variant.
Coding change: c.5474G>A on transcript NM_001384950.1 (MANE Select); coding-DNA position 5474, G replaced by A.
Protein change: p.Ser1825Asn; replaces serine 1825 with asparagine.
Molecular consequence: missense variant. On other transcripts: non-coding transcript variant (8).
Genome position (GRCh38, 1-based): chr16:57,081,595, G>A. VCF-style: chr16-57081595-G-A. GRCh37 (hg19) VCF-style: chr16-57115507-G-A.
Other names: c.5387G>A, p.Ser1796Asn (NM_001330552.2, NM_001384951.1, NM_001384955.1 and 1 more transcripts); c.5471G>A, p.Ser1824Asn (NM_001384952.1, NM_001384953.1); c.5390G>A, p.Ser1797Asn (NM_001384954.1); c.5384G>A, p.Ser1795Asn (NM_001384957.1); c.5300G>A, p.Ser1767Asn (NM_001384958.1); c.5297G>A, p.Ser1766Asn (NM_001384959.1); c.5213G>A, p.Ser1738Asn (NM_001384960.1); c.5474G>A, p.Ser1825Asn (NM_032206.5); short protein forms S1825N, S1796N, S1738N, S1766N, S1767N, S1795N, S1797N, S1824N.
Identifiers: ClinVar variation 103210 (VCV000103210.2), dbSNP rs199476022, ClinGen allele CA230261.